The following is an entry in ClinVar:

NM_001394062.1(MACF1):c.19306C>G (p.Gln6436Glu)

Gene: MACF1 (microtubule actin crosslinking factor 1; plus strand). Cytogenetic location: 1p34.3.
Variant type: single nucleotide variant.
Coding change: c.19306C>G on transcript NM_001394062.1 (MANE Select); coding-DNA position 19306, C replaced by G.
Protein change: p.Gln6436Glu; replaces glutamine 6436 with glutamic acid.
Molecular consequence: missense variant.
Genome position (GRCh38, 1-based): chr1:39,443,449, C>G. VCF-style: chr1-39443449-C-G. GRCh37 (hg19) VCF-style: chr1-39909121-C-G.
Other names: c.7384C>G, p.Gln2462Glu (NM_001397473.1); c.13129C>G, p.Gln4377Glu (NM_012090.5); short protein forms Q2462E, Q4377E, Q6436E.
Identifiers: ClinVar variation 3026371 (VCV003026371.22), dbSNP rs747403092, ClinGen allele CA784099.

ClinVar aggregate classification (germline): Likely benign (1 of 4 stars; one submission).

Allele frequency attached by ClinVar (database versions not stated): TOPMed below 0.00001; ExAC 0.00001; gnomAD exomes 0.00002.
gnomAD v4.1: 21 of 1,608,636 alleles (0.0013%); highest among the groups gnomAD compares: Non-Finnish European, 0.0018%; no homozygotes.

Submission:

CeGaT Center for Human Genetics Tuebingen
Classification: Likely benign. Last evaluated: 2024-01-01. Review status: criteria provided, single submitter. Criteria: CeGaT Center For Human Genetics Tuebingen Variant Classification Criteria Version 2. Collection method: clinical testing. Allele origin: germline. Affected: yes. Observed: 1 variant allele.
Comment: MACF1: BP4